The following is an entry in ClinVar:

ClinVar aggregate classification (germline): Pathogenic. Review status: no assertion criteria provided (0 of 4 stars). 2 submissions from 2 submitters: Pathogenic (2). Last evaluated 2024-03-04.

Conditions:
Spermatogenic failure 33. Identifiers: MedGen C4748395, MONDO:0029147, OMIM 618152.
Reduced sperm motility. Also called: asthenozoospermia. Identifiers: MedGen C4082176, HP:0012207.
dysplasia of the mitochondrial sheath.
multiple morphologic abnormalities of the sperm flagellum.

Submissions (2):

OMIM
Classification: Pathogenic for SPERMATOGENIC FAILURE 33. Last evaluated: 2024-03-04. Review status: no assertion criteria provided. Collection method: literature only. Allele origin: germline.

Marseille Medical Genetics, U1251, Aix Marseille University, Inserm
Classification: Pathogenic for asthenozoospermia; multiple morphologic abnormalities of the sperm flagellum; dysplasia of the mitochondrial sheath. Last evaluated: 2018-06-29. Review status: no assertion criteria provided. Collection method: clinical testing. Allele origin: maternal. Inheritance: Autosomal recessive inheritance. Affected: yes. Observed: 1 variant allele, 1 compound heterozygote.
Comment: Bialleleic rare loss-of-function variants in WDR66 have been described in two independent cases of asthenozoospermia with multiple morphologic abnormalities of the sperm flagellum. One of these cases was a compound heterozygote for p.Leu530Valfs*4 and a nonsense variant p.Glu111*. In this case a dysplasia of the mitochondrial sheath was described by immunofluorescence and electron microscopy (Auguste et al. 2018, article in revision).

Literature cited by the submitters: PubMed 30122541 (cited by OMIM and Marseille Medical Genetics, U1251, Aix Marseille University, Inserm).

NM_144668.6(CFAP251):c.1588_1589del (p.Leu530fs)

Gene: CFAP251 (cilia and flagella associated protein 251; plus strand). Cytogenetic location: 12q24.31.
Variant type: Deletion.
Coding change: c.1588_1589del on transcript NM_144668.6 (MANE Select); coding-DNA positions 1588 to 1589, 2 bases deleted (CT; older notation c.1588_1589delCT).
Protein change: p.Leu530fs; shifts the reading frame from leucine 530.
Molecular consequence: frameshift variant.
Genome position (GRCh38, 1-based): chr12:121,957,126-121,957,127, CT deleted. VCF-style (leftmost placement, unchanged base first): chr12-121957125-CCT-C. GRCh37 (hg19) VCF-style: chr12-122395031-CCT-C.
Other names: CFAP251, 2-BP DEL, 1588CT; c.1588_1589del, p.Leu530fs (NM_001178003.2); short protein forms L530fs.
Identifiers: ClinVar variation 545693 (VCV000545693.4), dbSNP rs1565912409, ClinGen allele CA891844086.